The following is an entry in ClinVar:

NM_005343.4(HRAS):c.103A>G (p.Thr35Ala)

Genes: LRRC56 (leucine rich repeat containing 56; plus strand), HRAS (HRas proto-oncogene, GTPase; minus strand). Cytogenetic location: 11p15.5.
Variant type: single nucleotide variant.
Coding change: c.103A>G on transcript NM_005343.4 (MANE Select); coding-DNA position 103, A replaced by G.
Protein change: p.Thr35Ala; replaces threonine 35 with alanine.
Molecular consequence: missense variant. On other transcripts: 5 prime UTR variant (1).
Genome position (GRCh38, 1-based): chr11:534,220, T>C on the plus strand (A>G on the coding strand, the complement: HRAS is on the minus strand). VCF-style: chr11-534220-T-C. GRCh37 (hg19) VCF-style: chr11-534220-T-C.
Other names: c.103A>G, p.Thr35Ala (NM_001130442.3, NM_176795.5); c.-217A>G (NM_001318054.2); short protein forms T35A.
Identifiers: ClinVar variation 1463197 (VCV001463197.8), dbSNP rs2133994194, ClinGen allele CA378924949.

ClinVar aggregate classification (germline): Uncertain significance (1 of 4 stars; one submission).

Conditions:
Costello syndrome (CSTLO). Also called: FCS SYNDROME; FACIOCUTANEOSKELETAL SYNDROME; HRAS-Related Costello Syndrome. Identifiers: Orphanet 3071, MedGen C0587248, MONDO:0009026, OMIM 218040.

Submission:

Labcorp Genetics (formerly Invitae), Labcorp
Classification: Uncertain significance for Costello syndrome. Last evaluated: 2021-07-16. Review status: criteria provided, single submitter. Criteria: Invitae Variant Classification Sherloc (09022015). Collection method: clinical testing. Allele origin: germline.
Comment: In summary, the available evidence is currently insufficient to determine the role of this variant in disease. Therefore, it has been classified as a Variant of Uncertain Significance. Advanced modeling of protein sequence and biophysical properties (such as structural, functional, and spatial information, amino acid conservation, physicochemical variation, residue mobility, and thermodynamic stability) performed at Invitae indicates that this missense variant is expected to disrupt HRAS protein function. This variant has not been reported in the literature in individuals affected with HRAS-related conditions. This variant is not present in population databases (ExAC no frequency). This sequence change replaces threonine with alanine at codon 35 of the HRAS protein (p.Thr35Ala). The threonine residue is highly conserved and there is a small physicochemical difference between threonine and alanine.